The following is an entry in ClinVar:

NM_001375380.1(EBF3):c.488G>T (p.Arg163Leu)

Gene: EBF3 (EBF transcription factor 3; minus strand). Cytogenetic location: 10q26.3.
Variant type: single nucleotide variant.
Coding change: c.488G>T on transcript NM_001375380.1 (MANE Select); coding-DNA position 488, G replaced by T.
Protein change: p.Arg163Leu; replaces arginine 163 with leucine.
Molecular consequence: missense variant.
Genome position (GRCh38, 1-based): chr10:129,957,324, C>A on the plus strand (G>T on the coding strand, the complement: EBF3 is on the minus strand). VCF-style: chr10-129957324-C-A. GRCh37 (hg19) VCF-style: chr10-131755588-C-A.
Other names: c.488G>T, p.Arg163Leu (NM_001005463.3, NM_001375379.1, NM_001375389.1 and 3 more transcripts); short protein forms R163L.
Identifiers: ClinVar variation 268155 (VCV000268155.7), dbSNP rs1057519389, ClinGen allele CA16044165.

ClinVar aggregate classification (germline): Pathogenic. Review status: criteria provided, multiple submitters, no conflicts (2 of 4 stars). 5 submissions from 5 submitters: Pathogenic (3). 2 of the submissions do not count toward it. Last evaluated 2020-10-23.

Conditions:
Hypotonia, ataxia, and delayed development syndrome (HADDS). Also called: EBF3 Neurodevelopmental Disorder. Identifiers: Orphanet 658843, MedGen C4310618, MONDO:0015021, OMIM 617330.
Hypotonia. Also called: Muscular hypotonia; poor muscle tone. Identifiers: MedGen C0026827, HP:0001252.
Ataxia. Identifiers: MedGen C0004134, HP:0001251.
Intellectual disability. Also called: Intellectual functioning disability; intellectual disabilities; Intellectual developmental disorder. Identifiers: MedGen C3714756, MeSH D008607, MONDO:0001071, HP:0001249.
Expressive language delay. Identifiers: MedGen C0454641, HP:0002474.
Global developmental delay (DD). Also called: Cognitive delay. Identifiers: MedGen C0557874, HP:0001263. Disease mechanism: loss of function.

Submissions (5):

Institute of Medical Genetics and Applied Genomics, University Hospital Tübingen
Classification: Pathogenic. Last evaluated: 2020-10-23. Review status: criteria provided, single submitter. Criteria: ACMG Guidelines, 2015. Collection method: clinical testing. Allele origin: germline. Inheritance: Autosomal dominant inheritance. Affected: yes.

GeneDx
Classification: Pathogenic. Last evaluated: 2017-05-04. Review status: criteria provided, single submitter. Criteria: GeneDx Variant Classification (06012015). Collection method: clinical testing. Allele origin: germline. Affected: yes.
Comment: The R163L variant is not observed in large population cohorts (Lek et al., 2016; 1000 Genomes Consortium et al., 2015; Exome Variant Server). The R163L variant is a non-conservative amino acid substitution, which is likely to impact secondary protein structure as these residues differ in polarity, charge, size and/or other properties. This substitution occurs at a position that is conserved across species. In silico analysis predicts this variant is probably damaging to the protein structure/function. We interpret R163L as a pathogenic variant.

Baylor Genetics
Classification: Pathogenic for Global developmental delay; Intellectual disability; Expressive language delay; Ataxia; Hypotonia. Last evaluated: 2016-08-25. Review status: criteria provided, single submitter. Criteria: ACMG Guidelines, 2015. Collection method: clinical testing. Allele origin: de novo. Inheritance: Autosomal dominant inheritance. Affected: yes. Observed: 1 variant allele, 1 heterozygote.

OMIM
Classification: Pathogenic for HYPOTONIA, ATAXIA, AND DELAYED DEVELOPMENT SYNDROME. Last evaluated: 2017-02-13. Review status: no assertion criteria provided. Collection method: literature only. Allele origin: germline. Not counted in ClinVar's aggregate classification.

GeneReviews
No classification provided. Condition: Hypotonia, ataxia, and delayed development syndrome. Review status: no classification provided. Collection method: literature only. Allele origin: germline. Not counted in ClinVar's aggregate classification.

Literature cited by the submitters: PubMed 28017372 (cited by 3 submitters); PubMed 33956416 (cited by GeneReviews).